The following is an entry in ClinVar:

NM_199420.4(POLQ):c.4061T>A (p.Met1354Lys)

Gene: POLQ (DNA polymerase theta; minus strand). Cytogenetic location: 3q13.33.
Variant type: single nucleotide variant.
Coding change: c.4061T>A on transcript NM_199420.4 (MANE Select); coding-DNA position 4061, T replaced by A.
Protein change: p.Met1354Lys; replaces methionine 1354 with lysine.
Molecular consequence: missense variant.
Genome position (GRCh38, 1-based): chr3:121,488,870, A>T on the plus strand (T>A on the coding strand, the complement: POLQ is on the minus strand). VCF-style: chr3-121488870-A-T. GRCh37 (hg19) VCF-style: chr3-121207717-A-T.
Other names: short protein forms M1354K.
Identifiers: ClinVar variation 1737480 (VCV001737480.2), dbSNP rs2546786419, ClinGen allele CA354096326.

ClinVar aggregate classification (germline): Uncertain significance (1 of 4 stars; one submission).

Submission:

Ambry Genetics
Classification: Uncertain significance. Last evaluated: 2021-08-13. Review status: criteria provided, single submitter. Criteria: Ambry Variant Classification Scheme 2023. Collection method: clinical testing. Allele origin: germline.
Comment: The p.M1354K variant (also known as c.4061T>A), located in coding exon 16 of the POLQ gene, results from a T to A substitution at nucleotide position 4061. The methionine at codon 1354 is replaced by lysine, an amino acid with similar properties. This amino acid position is conserved. In addition, this alteration is predicted to be tolerated by in silico analysis. Since supporting evidence is limited at this time, the clinical significance of this alteration remains unclear.